The following is an entry in ClinVar:

ClinVar aggregate classification (germline): Uncertain significance. Review status: criteria provided, multiple submitters, no conflicts (2 of 4 stars). 2 submissions from 2 submitters: Uncertain significance (2). Last evaluated 2026-07-01.

Conditions:
PLXNA3-related disorder. Also called: PLXNA3-related condition.

Allele frequency attached by ClinVar (database versions not stated): gnomAD 0.00001; TOPMed 0.00002; ExAC 0.00004; 1000 Genomes Project 30x 0.00021; 1000 Genomes Project 0.00026.
gnomAD v4.1: 10 of 1,207,400 alleles (0.00083%); highest among the groups gnomAD compares: East Asian, 0.0089%; no homozygotes.

Submissions (2):

PreventionGenetics, part of Exact Sciences
Classification: Uncertain significance for PLXNA3-related condition. Last evaluated: 2026-07-01. Review status: criteria provided, single submitter. Criteria: ACMG Guidelines, 2015. Collection method: clinical testing. Allele origin: germline.
Comment: The PLXNA3 c.40G>A variant is predicted to result in the amino acid substitution p.Val14Met. To our knowledge, this variant has not been reported in the literature. This variant is reported in 0.022% of alleles in individuals of East Asian descent in gnomAD. At this time, the clinical significance of this variant is uncertain due to the absence of conclusive functional and genetic evidence.

Ambry Genetics
Classification: Uncertain significance. Last evaluated: 2023-04-20. Review status: criteria provided, single submitter. Criteria: Ambry Variant Classification Scheme 2023. Collection method: clinical testing. Allele origin: germline.

NM_017514.5(PLXNA3):c.40G>A (p.Val14Met)

Gene: PLXNA3 (plexin A3; plus strand). Cytogenetic location: Xq28.
Variant type: single nucleotide variant.
Coding change: c.40G>A on transcript NM_017514.5 (MANE Select); coding-DNA position 40, G replaced by A.
Protein change: p.Val14Met; replaces valine 14 with methionine.
Molecular consequence: missense variant.
Genome position (GRCh38, 1-based): chrX:154,460,223, G>A. VCF-style: chrX-154460223-G-A. GRCh37 (hg19) VCF-style: chrX-153688563-G-A.
Other names: short protein forms V14M.
Identifiers: ClinVar variation 2539620 (VCV002539620.3), dbSNP rs782271984, ClinGen allele CA10563574.
Genomic context (GRCh38, chrX:154,460,223, plus strand): 5'-CCCCAGGCGCGGCTGCCGGCCATGCCCTCTGTCTGCCTCCTCCTGCTGCTCTTCCTTGCC[G>A]TGGGGGGGGCCCTGGGCAACAGGCCCTTCCGTGCCTTCGTGGTGACAGACACCACGCTTA-3'
Protein context (NP_059984.3, residues 4-24): VCLLLLLFLA[Val14Met]GGALGNRPFR